The following is an entry in ClinVar:

ClinVar aggregate classification (germline): Uncertain significance (1 of 4 stars; one submission).

gnomAD v4.1: 1 of 1,613,838 alleles (0.000062%); highest among the groups gnomAD compares: East Asian, 0.0022%; no homozygotes.

Submission:

Women's Health and Genetics/Laboratory Corporation of America, LabCorp
Classification: Uncertain significance. Last evaluated: 2025-01-24. Review status: criteria provided, single submitter. Criteria: LabCorp Variant Classification Summary - May 2015. Collection method: clinical testing. Allele origin: germline.
Comment: Variant summary: POLG2 c.877T>C (p.Phe293Leu) results in a non-conservative amino acid change in the encoded protein sequence. Five of five in-silico tools predict a damaging effect of the variant on protein function. The variant allele was found at a frequency of 4e-06 in 251458 control chromosomes. The available data on variant occurrences in the general population are insufficient to allow any conclusion about variant significance. c.877T>C has been reported in the literature in one individual affected with chronic progressive external opthalmoplegia, co-occurring with a VUS missense in POLG (Pauls_2020). These report(s) do not provide unequivocal conclusions about association of the variant with POLG2-Related Disorder. To our knowledge, no experimental evidence demonstrating an impact on protein function has been reported. The following publication has been ascertained in the context of this evaluation (PMID: 32502631). No submitters have cited clinical-significance assessments for this variant to ClinVar. Based on the evidence outlined above, the variant was classified as uncertain significance.

Literature cited by the submitters: PubMed 32502631.

NM_007215.4(POLG2):c.877T>C (p.Phe293Leu)

Genes: MILR1 (mast cell immunoglobulin like receptor 1; plus strand), POLG2 (DNA polymerase gamma 2, accessory subunit; minus strand). Cytogenetic location: 17q23.3.
Variant type: single nucleotide variant.
Coding change: c.877T>C on transcript NM_007215.4 (MANE Select); coding-DNA position 877, T replaced by C.
Protein change: p.Phe293Leu; replaces phenylalanine 293 with leucine.
Molecular consequence: missense variant.
Genome position (GRCh38, 1-based): chr17:64,490,888, A>G on the plus strand (T>C on the coding strand, the complement: POLG2 is on the minus strand). VCF-style: chr17-64490888-A-G. GRCh37 (hg19) VCF-style: chr17-62487005-A-G.
Other names: short protein forms F293L.
Identifiers: ClinVar variation 3769445 (VCV003769445.2).